The following is an entry in ClinVar:

NM_001365951.3(KIF1B):c.2704G>A (p.Glu902Lys)

Genes: KIF1B (kinesin family member 1B; plus strand), LOC126805614 (BRD4-independent group 4 enhancer GRCh37_chr1:10385546-10386745; plus strand). Cytogenetic location: 1p36.22.
Variant type: single nucleotide variant.
Coding change: c.2704G>A on transcript NM_001365951.3 (MANE Select); coding-DNA position 2704, G replaced by A.
Protein change: p.Glu902Lys; replaces glutamic acid 902 with lysine.
Molecular consequence: missense variant.
Genome position (GRCh38, 1-based): chr1:10,326,139, G>A. VCF-style: chr1-10326139-G-A. GRCh37 (hg19) VCF-style: chr1-10386197-G-A.
Other names: c.2704G>A, p.Glu902Lys (NM_001365952.1); c.2566G>A, p.Glu856Lys (NM_015074.3); short protein forms E856K, E902K.
Identifiers: ClinVar variation 1319766 (VCV001319766.13), dbSNP rs368663292, ClinGen allele CA581593.

ClinVar aggregate classification (germline): Uncertain significance. Review status: criteria provided, multiple submitters, no conflicts (2 of 4 stars). 3 submissions from 3 submitters: Uncertain significance (3). Last evaluated 2025-11-03.

Conditions:
Charcot-Marie-Tooth disease type 2. Also called: Charcot-Marie-Tooth type 2. Identifiers: Orphanet 64746, MedGen C0270914, MONDO:0018993.

Allele frequency attached by ClinVar (database versions not stated): gnomAD exomes 0.00001; TOPMed 0.00001; gnomAD 0.00001; ExAC 0.00002; ESP Exome Variant Server 0.00008.
gnomAD v4.1: 11 of 1,613,898 alleles (0.00068%); highest among the groups gnomAD compares: African/African-American, 0.0013%; no homozygotes.

Submissions (3):

Ambry Genetics
Classification: Uncertain significance. Last evaluated: 2025-11-03. Review status: criteria provided, single submitter. Criteria: Ambry Variant Classification Scheme 2023. Collection method: clinical testing. Allele origin: germline.

Labcorp Genetics (formerly Invitae), Labcorp
Classification: Uncertain significance for Charcot-Marie-Tooth disease type 2. Last evaluated: 2023-06-20. Review status: criteria provided, single submitter. Criteria: Invitae Variant Classification Sherloc (09022015). Collection method: clinical testing. Allele origin: germline.
Comment: In summary, the available evidence is currently insufficient to determine the role of this variant in disease. Therefore, it has been classified as a Variant of Uncertain Significance. An algorithm developed to predict the effect of missense changes on protein structure and function (PolyPhen-2) suggests that this variant is likely to be disruptive. ClinVar contains an entry for this variant (Variation ID: 1319766). This variant has not been reported in the literature in individuals affected with KIF1B-related conditions. This variant is present in population databases (rs368663292, gnomAD 0.007%). This sequence change replaces glutamic acid, which is acidic and polar, with lysine, which is basic and polar, at codon 856 of the KIF1B protein (p.Glu856Lys).

Institute for Clinical Genetics, University Hospital TU Dresden, University Hospital TU Dresden
Classification: Uncertain significance. Last evaluated: 2021-11-03. Review status: criteria provided, single submitter. Criteria: ACMG Guidelines, 2015. Collection method: clinical testing. Allele origin: germline.